The following is an entry in ClinVar:

ClinVar aggregate classification (germline): Pathogenic (1 of 4 stars; one submission).

Conditions:
Hypertrophic cardiomyopathy. Also called: HYPERTROPHIC MYOCARDIOPATHY. Identifiers: Orphanet 217569, MedGen C0007194, MeSH D002312, MONDO:0005045, HP:0001639.

Allele frequency attached by ClinVar (database versions not stated): gnomAD exomes below 0.00001; ExAC 0.00001.

Submission:

Labcorp Genetics (formerly Invitae), Labcorp
Classification: Pathogenic for Hypertrophic cardiomyopathy. Last evaluated: 2025-07-07. Review status: criteria provided, single submitter. Criteria: Invitae Variant Classification Sherloc (09022015). Collection method: clinical testing. Allele origin: germline.
Comment: This sequence change replaces aspartic acid, which is acidic and polar, with histidine, which is basic and polar, at codon 1208 of the MYH7 protein (p.Asp1208His). This variant is present in population databases (rs730880781, gnomAD 0.0009%). This missense change has been observed in individuals with hypertrophic cardiomyopathy (PMID: 37652022; internal data). ClinVar contains an entry for this variant (Variation ID: 181230). Invitae Evidence Modeling of protein sequence and biophysical properties (such as structural, functional, and spatial information, amino acid conservation, physicochemical variation, residue mobility, and thermodynamic stability) indicates that this missense variant is expected to disrupt MYH7 protein function with a positive predictive value of 95%. This variant disrupts the p.Asp1208 amino acid residue in MYH7. Other variant(s) that disrupt this residue have been determined to be pathogenic (PMID: 23396983, 24111713, 27532257, 33673806; internal data). This suggests that this residue is clinically significant, and that variants that disrupt this residue are likely to be disease-causing. For these reasons, this variant has been classified as Pathogenic.

Literature cited by the submitters: PubMed 37652022; PubMed 23396983; PubMed 24111713; PubMed 27532257; PubMed 33673806.

NM_000257.4(MYH7):c.3622G>C (p.Asp1208His)

Gene: MYH7 (myosin heavy chain 7; minus strand). Cytogenetic location: 14q11.2.
Variant type: single nucleotide variant.
Coding change: c.3622G>C on transcript NM_000257.4 (MANE Select); coding-DNA position 3622, G replaced by C.
Protein change: p.Asp1208His; replaces aspartic acid 1208 with histidine.
Molecular consequence: missense variant.
Genome position (GRCh38, 1-based): chr14:23,419,949, C>G on the plus strand (G>C on the coding strand, the complement: MYH7 is on the minus strand). VCF-style: chr14-23419949-C-G. GRCh37 (hg19) VCF-style: chr14-23889158-C-G.
Other names: short protein forms D1208H.
Identifiers: ClinVar variation 181230 (VCV000181230.8), dbSNP rs730880781, ClinGen allele CA013891.
Genomic context (GRCh38, chr14:23,419,949, plus strand): 5'-GCTCCAGCTTGAACTCGCTCTTCTCCTTCTCCAGCTTCTGCTTCACCCGCTGCAGGTTGT[C>G]GATCTGCTCGCCCAGCTCGGCCACGCTGTCGGCGTGCTTCTTGCGCAGGGCCGCGGCAGT-3'
Protein context (NP_000248.2, residues 1198-1218): DSVAELGEQI[Asp1208His]NLQRVKQKLE